The following is an entry in ClinVar:

ClinVar aggregate classification (germline): Uncertain significance (1 of 4 stars; one submission).

Conditions:
Cardiovascular phenotype. Identifiers: MedGen CN230736.
Hereditary cancer-predisposing syndrome. Also called: Neoplastic Syndromes, Hereditary; Tumor predisposition; Hereditary Cancer Syndrome; Hereditary neoplastic syndrome. Identifiers: Orphanet 140162, MedGen C0027672, MeSH D009386, MONDO:0015356.

Submission:

Ambry Genetics
Classification: Uncertain significance for Cardiovascular phenotype; Hereditary cancer-predisposing syndrome. Last evaluated: 2025-10-29. Review status: criteria provided, single submitter. Criteria: Ambry Variant Classification Scheme 2023. Collection method: clinical testing. Allele origin: germline.
Comment: The p.V82A variant (also known as c.245T>C), located in coding exon 2 of the LZTR1 gene, results from a T to C substitution at nucleotide position 245. The valine at codon 82 is replaced by alanine, an amino acid with similar properties. This amino acid position is conserved. In addition, the in silico prediction for this alteration is inconclusive. Based on the available evidence, the clinical significance of this variant remains unclear.

NM_006767.4(LZTR1):c.245T>C (p.Val82Ala)

Gene: LZTR1 (leucine zipper like post translational regulator 1; plus strand). Cytogenetic location: 22q11.21.
Variant type: single nucleotide variant.
Coding change: c.245T>C on transcript NM_006767.4 (MANE Select); coding-DNA position 245, T replaced by C.
Protein change: p.Val82Ala; replaces valine 82 with alanine.
Molecular consequence: missense variant.
Genome position (GRCh38, 1-based): chr22:20,983,071, T>C. VCF-style: chr22-20983071-T-C. GRCh37 (hg19) VCF-style: chr22-21337360-T-C.
Other names: short protein forms V82A.
Identifiers: ClinVar variation 4615644 (VCV004615644.1).